The following is an entry in ClinVar:

ClinVar aggregate classification (germline): Likely benign (0 of 4 stars; one submission).

Conditions:
TJP2-related disorder. Also called: TJP2-related condition.

Submission:

PreventionGenetics, part of Exact Sciences
Classification: Likely benign for TJP2-related condition. Last evaluated: 2024-06-06. Review status: no assertion criteria provided. Collection method: clinical testing. Allele origin: germline.
Comment: This variant is classified as likely benign based on ACMG/AMP sequence variant interpretation guidelines (Richards et al. 2015 PMID: 25741868, with internal and published modifications).

NM_004817.4(TJP2):c.2250G>A (p.Glu750=)

Gene: TJP2 (tight junction protein 2; plus strand). Cytogenetic location: 9q21.11.
Variant type: single nucleotide variant.
Coding change: c.2250G>A on transcript NM_004817.4 (MANE Select); coding-DNA position 2250, G replaced by A.
Protein change: p.Glu750=; no amino-acid change (glutamic acid 750 retained).
Molecular consequence: synonymous variant.
Genome position (GRCh38, 1-based): chr9:69,237,948, G>A. VCF-style: chr9-69237948-G-A. GRCh37 (hg19) VCF-style: chr9-71852864-G-A.
Other names: c.2181G>A, p.Glu727= (NM_001170414.2, NM_001369871.1); c.2262G>A, p.Glu754= (NM_001170415.1, NM_001369874.1, NM_001369875.1); c.2343G>A, p.Glu781= (NM_001170416.2); c.2175G>A, p.Glu725= (NM_001369870.1); c.2250G>A, p.Glu750= (NM_001369872.1, NM_001369873.1, NM_201629.3).
Identifiers: ClinVar variation 3356946 (VCV003356946.1).